The following is an entry in ClinVar:

NM_012203.2(GRHPR):c.963G>A (p.Pro321=)

Gene: GRHPR (glyoxylate and hydroxypyruvate reductase; plus strand). Cytogenetic location: 9p13.2.
Variant type: single nucleotide variant.
Coding change: c.963G>A on transcript NM_012203.2 (MANE Select); coding-DNA position 963, G replaced by A.
Protein change: p.Pro321=; no amino-acid change (proline 321 retained).
Molecular consequence: synonymous variant.
Genome position (GRCh38, 1-based): chr9:37,436,758, G>A. VCF-style: chr9-37436758-G-A. GRCh37 (hg19) VCF-style: chr9-37436755-G-A.
Other names: p.Pro321=.
Identifiers: ClinVar variation 204229 (VCV000204229.25), dbSNP rs76299266, ClinGen allele CA275880.

ClinVar aggregate classification (germline): Benign/Likely benign. Review status: criteria provided, multiple submitters, no conflicts (2 of 4 stars). 9 submissions from 9 submitters: Benign (5); Likely benign (2). 2 of the submissions do not count toward it. Last evaluated 2026-01-31.

Conditions:
Primary hyperoxaluria, type II (HP2). Also called: D-GLYCERATE DEHYDROGENASE DEFICIENCY; GLYCERIC ACIDURIA; GLYOXYLATE REDUCTASE/HYDROXYPYRUVATE REDUCTASE DEFICIENCY; Primary hyperoxaluria type 2; OXALOSIS II. Identifiers: Orphanet 416, Orphanet 93599, MedGen C0268165, MONDO:0009824, OMIM 260000. Disease mechanism: loss of function.

Allele frequency attached by ClinVar (database versions not stated): gnomAD exomes 0.00831; ExAC 0.00929; gnomAD 0.01042 and 0.01044; TOPMed 0.01075; ESP Exome Variant Server 0.01138; 1000 Genomes Project 30x 0.01140; 1000 Genomes Project 0.01198.
gnomAD v4.1: 10,674 of 1,614,002 alleles (0.66%); highest among the groups gnomAD compares: African/African-American, 2.5%; 86 homozygotes.

Submissions (9):

Labcorp Genetics (formerly Invitae), Labcorp
Classification: Benign. Last evaluated: 2026-01-31. Review status: criteria provided, single submitter. Criteria: Invitae Variant Classification Sherloc (09022015). Collection method: clinical testing. Allele origin: germline.

Mayo Clinic Laboratories, Mayo Clinic
Classification: Benign. Last evaluated: 2024-12-03. Review status: criteria provided, single submitter. Criteria: ACMG Guidelines, 2015. Collection method: clinical testing. Allele origin: germline. Observed: 3 variant alleles.
Comment: BS1, BS2, BP4, BP7

Blueprint Genetics
Classification: Benign. Last evaluated: 2024-11-25. Review status: criteria provided, single submitter. Criteria: ACMG Guidelines, 2015. Collection method: clinical testing. Allele origin: germline.

Genome-Nilou Lab
Classification: Benign for Primary hyperoxaluria, type II. Last evaluated: 2021-06-10. Review status: criteria provided, single submitter. Criteria: ACMG Guidelines, 2015. Collection method: clinical testing. Allele origin: germline. Affected: no.

GeneDx
Classification: Likely benign. Last evaluated: 2020-07-28. Review status: criteria provided, single submitter. Criteria: GeneDx Variant Classification Process June 2021. Collection method: clinical testing. Allele origin: germline. Affected: yes.

Illumina Laboratory Services, Illumina
Classification: Benign for Primary hyperoxaluria, type II. Last evaluated: 2018-01-13. Review status: criteria provided, single submitter. Criteria: ICSL Variant Classification Criteria 13 December 2019. Collection method: clinical testing. Allele origin: germline.
Comment: This variant was observed in the ICSL laboratory as part of a predisposition screen in an ostensibly healthy population. It had not been previously curated by ICSL or reported in the Human Gene Mutation Database (HGMD: prior to June 1st, 2018), and was therefore a candidate for classification through an automated scoring system. Utilizing variant allele frequency, disease prevalence and penetrance estimates, and inheritance mode, an automated score was calculated to assess if this variant is too frequent to cause the disease. Based on the score and internal cut-off values, a variant classified as benign is not then subjected to further curation. The score for this variant resulted in a classification of benign for this disease.

Breakthrough Genomics
Classification: Likely benign. Review status: criteria provided, single submitter. Criteria: ACMG Guidelines, 2015. Collection method: not provided. Allele origin: germline. Inheritance: Autosomal recessive inheritance. Affected: yes.

Natera, Inc.
Classification: Likely benign for Primary hyperoxaluria type II. Last evaluated: 2019-12-04. Review status: no assertion criteria provided. Collection method: clinical testing. Allele origin: germline. Not counted in ClinVar's aggregate classification.

Clinical Biochemistry Laboratory, Health Services Laboratory
Classification: Uncertain significance for Primary hyperoxaluria, type II. Last evaluated: 2014-11-27. Review status: no assertion criteria provided. Collection method: research. Allele origin: germline. Affected: yes. Not counted in ClinVar's aggregate classification.